The following is an entry in ClinVar:

NM_144687.4(NLRP12):c.1608_1612del (p.Asp538fs)

Gene: NLRP12 (NLR family pyrin domain containing 12; minus strand). Cytogenetic location: 19q13.42.
Variant type: Deletion.
Coding change: c.1608_1612del on transcript NM_144687.4 (MANE Select); coding-DNA positions 1608 to 1612, 5 bases deleted (CCCAG; older notation c.1608_1612delCCCAG).
Protein change: p.Asp538fs; shifts the reading frame from aspartic acid 538.
Molecular consequence: frameshift variant.
Genome position (GRCh38, 1-based): chr19:53,810,047-53,810,051, CTGGG deleted on the plus strand (CCCAG on the coding strand, the reverse complement: NLRP12 is on the minus strand); deleting any 5 consecutive bases within chr19:53,810,047-53,810,052 gives the same sequence; the c. name uses the placement nearest the transcript's 3' end. VCF-style (leftmost placement, unchanged base first): chr19-53810046-TCTGGG-T. GRCh37 (hg19) VCF-style: chr19-54313300-TCTGGG-T.
Other names: c.1608_1612del, p.Asp538fs (NM_001277126.2, NM_001277129.1); short protein forms D538fs.
Identifiers: ClinVar variation 2120639 (VCV002120639.4), dbSNP rs765899174, ClinGen allele CA9639392.

ClinVar aggregate classification (germline): Uncertain significance (1 of 4 stars; one submission).

Conditions:
Familial cold autoinflammatory syndrome 2 (FCAS2). Identifiers: Orphanet 247868, MedGen C2673198, MONDO:0012724, OMIM 611762.

Submission:

Labcorp Genetics (formerly Invitae), Labcorp
Classification: Uncertain significance for Familial cold autoinflammatory syndrome 2. Last evaluated: 2022-04-01. Review status: criteria provided, single submitter. Criteria: Invitae Variant Classification Sherloc (09022015). Collection method: clinical testing. Allele origin: germline.
Comment: This variant has not been reported in the literature in individuals affected with NLRP12-related conditions. This variant is present in population databases (rs765899174, gnomAD 0.0009%). This sequence change creates a premature translational stop signal (p.Asp538Glyfs*13) in the NLRP12 gene. It is expected to result in an absent or disrupted protein product. However, the current clinical and genetic evidence is not sufficient to establish whether loss-of-function variants in NLRP12 cause disease. In summary, the available evidence is currently insufficient to determine the role of this variant in disease. Therefore, it has been classified as a Variant of Uncertain Significance.